The following is an entry in ClinVar:

ClinVar aggregate classification (germline): Benign. Review status: criteria provided, multiple submitters, no conflicts (2 of 4 stars). 4 submissions from 4 submitters: Benign (4). Last evaluated 2026-02-02.

Conditions:
Autosomal recessive spinocerebellar ataxia 10. Identifiers: Orphanet 284289, MedGen C3150998, MONDO:0013392, OMIM 613728.

Allele frequency attached by ClinVar (database versions not stated): gnomAD exomes 0.00098 and 0.00274; ExAC 0.00372; gnomAD 0.01112 and 0.01193; ESP Exome Variant Server 0.01192; TOPMed 0.01325; 1000 Genomes Project 0.01398; 1000 Genomes Project 30x 0.01530.
gnomAD v4.1: 3,187 of 1,614,156 alleles (0.2%); highest among the groups gnomAD compares: African/African-American, 3.7%; 55 homozygotes.

Submissions (4):

Labcorp Genetics (formerly Invitae), Labcorp
Classification: Benign. Last evaluated: 2026-02-02. Review status: criteria provided, single submitter. Criteria: Invitae Variant Classification Sherloc (09022015). Collection method: clinical testing. Allele origin: germline.

Athena Diagnostics
Classification: Benign. Last evaluated: 2025-07-23. Review status: criteria provided, single submitter. Criteria: Athena Diagnostics Criteria. Collection method: clinical testing. Allele origin: unknown.
Comment: The frequency of this variant in the general population is higher than would generally be expected for pathogenic variants in this gene. Computational tools yielded predictions that this variant is unlikely to have an effect on normal RNA splicing. This nucleotide position exhibits low evolutionary conservation.

Illumina Laboratory Services, Illumina
Classification: Benign for Autosomal recessive spinocerebellar ataxia 10. Last evaluated: 2018-01-13. Review status: criteria provided, single submitter. Criteria: ICSL Variant Classification Criteria 13 December 2019. Collection method: clinical testing. Allele origin: germline.
Comment: This variant was observed in the ICSL laboratory as part of a predisposition screen in an ostensibly healthy population. It had not been previously curated by ICSL or reported in the Human Gene Mutation Database (HGMD: prior to June 1st, 2018), and was therefore a candidate for classification through an automated scoring system. Utilizing variant allele frequency, disease prevalence and penetrance estimates, and inheritance mode, an automated score was calculated to assess if this variant is too frequent to cause the disease. Based on the score and internal cut-off values, a variant classified as benign is not then subjected to further curation. The score for this variant resulted in a classification of benign for this disease.

Breakthrough Genomics
Classification: Benign. Review status: criteria provided, single submitter. Criteria: ACMG Guidelines, 2015. Collection method: not provided. Allele origin: germline. Inheritance: Autosomal recessive inheritance. Affected: yes.

NM_018075.5(ANO10):c.627T>C (p.Ala209=)

Gene: ANO10 (anoctamin 10; minus strand). Cytogenetic location: 3p22.1.
Variant type: single nucleotide variant.
Coding change: c.627T>C on transcript NM_018075.5 (MANE Select); coding-DNA position 627, T replaced by C.
Protein change: p.Ala209=; no amino-acid change (alanine 209 retained).
Molecular consequence: synonymous variant. On other transcripts: intron variant (1).
Genome position (GRCh38, 1-based): chr3:43,577,227, A>G on the plus strand (T>C on the coding strand, the complement: ANO10 is on the minus strand). VCF-style: chr3-43577227-A-G. GRCh37 (hg19) VCF-style: chr3-43618719-A-G.
Other names: c.627T>C, p.Ala209= (NM_001204831.3, NM_001346463.2, NM_001346464.2 and 3 more transcripts); c.429T>C, p.Ala143= (NM_001204832.3, NM_001346466.2, NM_001346469.2); c.294T>C, p.Ala98= (NM_001204833.3); c.593-2363T>C (NM_001204834.3).
Identifiers: ClinVar variation 345192 (VCV000345192.14), dbSNP rs61742945, ClinGen allele CA2340979.
Genomic context (GRCh38, chr3:43,577,227, plus strand): 5'-CCCAATGACAGCCATGGGGATTAATGCAAAAGTGAAATACTCCAAAAATCCAAAGTACAG[A>G]GCAATTGTTTCCCCAAAGTAGCCACGAATACTGTCTATAGTGGAAACAAAGAAAGAACAT-3'
Protein context (NP_060545.3, residues 199-219): SIRGYFGETI[Ala209=]LYFGFLEYFT